The following is an entry in ClinVar:

NM_024589.3(ROGDI):c.652dup (p.Arg218fs)

Gene: ROGDI (rogdi atypical leucine zipper; minus strand). Cytogenetic location: 16p13.3.
Variant type: Duplication.
Coding change: c.652dup on transcript NM_024589.3 (MANE Select); coding-DNA position 652, one base duplicated (C; older notation c.652dupC).
Protein change: p.Arg218fs; shifts the reading frame from arginine 218.
Molecular consequence: frameshift variant. On other transcripts: non-coding transcript variant (1).
Genome position (GRCh38, 1-based): chr16:4,797,981, G duplicated on the plus strand (C on the coding strand, the reverse complement: ROGDI is on the minus strand); the first of 2 consecutive G bases (chr16:4,797,981-4,797,982); duplicating either gives the same sequence. VCF-style (leftmost placement, unchanged base first): chr16-4797980-C-CG. GRCh37 (hg19) VCF-style: chr16-4847981-C-CG.
Other names: short protein forms R218fs.
Identifiers: ClinVar variation 1072900 (VCV001072900.7), dbSNP rs2141905980, ClinGen allele CA2499223532.

ClinVar aggregate classification (germline): Pathogenic (1 of 4 stars; one submission).

Conditions:
Amelocerebrohypohidrotic syndrome (KTZS). Also called: EPILEPSY AND YELLOW TEETH; EPILEPSY, DEMENTIA, AND AMELOGENESIS IMPERFECTA; KOHLSCHUTTER SYNDROME; Kohlschutter's syndrome. Identifiers: Orphanet 1946, MedGen C0406740, MONDO:0009185, OMIM 226750.

Submission:

Labcorp Genetics (formerly Invitae), Labcorp
Classification: Pathogenic for Amelocerebrohypohidrotic syndrome. Last evaluated: 2020-03-04. Review status: criteria provided, single submitter. Criteria: Invitae Variant Classification Sherloc (09022015). Collection method: clinical testing. Allele origin: germline.
Comment: For these reasons, this variant has been classified as Pathogenic. Loss-of-function variants in ROGDI are known to be pathogenic (PMID: 22424600, 23086778). This variant has not been reported in the literature in individuals with ROGDI-related conditions. This variant is not present in population databases (ExAC no frequency). This sequence change creates a premature translational stop signal (p.Arg218Profs*10) in the ROGDI gene. It is expected to result in an absent or disrupted protein product.

Literature cited by the submitters: PubMed 22424600; PubMed 23086778.